The following is an entry in ClinVar:

ClinVar aggregate classification (germline): Uncertain significance (1 of 4 stars; one submission).

Submission:

Labcorp Genetics (formerly Invitae), Labcorp
Classification: Uncertain significance. Last evaluated: 2021-12-02. Review status: criteria provided, single submitter. Criteria: Invitae Variant Classification Sherloc (09022015). Collection method: clinical testing. Allele origin: germline.
Comment: This sequence change replaces glutamic acid, which is acidic and polar, with glycine, which is neutral and non-polar, at codon 269 of the LETM1 protein (p.Glu269Gly). This variant is not present in population databases (gnomAD no frequency). This variant has not been reported in the literature in individuals affected with LETM1-related conditions. Algorithms developed to predict the effect of missense changes on protein structure and function are either unavailable or do not agree on the potential impact of this missense change (SIFT: "Deleterious"; PolyPhen-2: "Probably Damaging"; Align-GVGD: "Class C0"). In summary, the available evidence is currently insufficient to determine the role of this variant in disease. Therefore, it has been classified as a Variant of Uncertain Significance.

NM_012318.3(LETM1):c.806A>G (p.Glu269Gly)

Gene: LETM1 (leucine zipper and EF-hand containing transmembrane protein 1; minus strand). Cytogenetic location: 4p16.3.
Variant type: single nucleotide variant.
Coding change: c.806A>G on transcript NM_012318.3 (MANE Select); coding-DNA position 806, A replaced by G.
Protein change: p.Glu269Gly; replaces glutamic acid 269 with glycine.
Molecular consequence: missense variant.
Genome position (GRCh38, 1-based): chr4:1,834,915, T>C on the plus strand (A>G on the coding strand, the complement: LETM1 is on the minus strand). VCF-style: chr4-1834915-T-C. GRCh37 (hg19) VCF-style: chr4-1836642-T-C.
Other names: short protein forms E269G.
Identifiers: ClinVar variation 1479594 (VCV001479594.6), dbSNP rs2108847688, ClinGen allele CA356006122.